The following is an entry in ClinVar:

NM_145868.2(ANXA11):c.1224G>A (p.Lys408=)

Genes: ANXA11 (annexin A11; minus strand), LOC126860977 (CDK7 strongly-dependent group 2 enhancer GRCh37_chr10:81917938-81919137; plus strand). Cytogenetic location: 10q22.3.
Variant type: single nucleotide variant.
Coding change: c.1224G>A on transcript NM_145868.2 (MANE Select); coding-DNA position 1224, G replaced by A.
Protein change: p.Lys408=; no amino-acid change (lysine 408 retained).
Molecular consequence: synonymous variant.
Genome position (GRCh38, 1-based): chr10:80,159,152, C>T on the plus strand (G>A on the coding strand, the complement: ANXA11 is on the minus strand). VCF-style: chr10-80159152-C-T. GRCh37 (hg19) VCF-style: chr10-81918908-C-T.
Other names: p.Lys408=; c.1224G>A, p.Lys408= (NM_001157.3, NM_001278407.2, NM_001278408.2 and 1 more transcripts); c.1125G>A, p.Lys375= (NM_001278409.2).
Identifiers: ClinVar variation 1553007 (VCV001553007.11), dbSNP rs74666141, ClinGen allele CA5575862.
Genomic context (GRCh38, chr10:80,159,152, plus strand): 5'-ACACTTACCCACGGCCAGCATGCCCTCCTCCAGGTCCCCGGACATCTCCCGGCAGATGCT[C>T]TTCTCAATGTCCCGGCCTGTCATTCTCTGGTACTCATTGAAAACTATGGGGATGACAGAG-3'
Protein context (NP_665875.1, residues 398-418): YQRMTGRDIE[Lys408=]SICREMSGDL

ClinVar aggregate classification (germline): Benign/Likely benign. Review status: criteria provided, multiple submitters, no conflicts (2 of 4 stars). 4 submissions from 4 submitters: Benign (3); Likely benign (1). Last evaluated 2026-01-26.

Allele frequency attached by ClinVar (database versions not stated): gnomAD exomes 0.00117; ExAC 0.00147; 1000 Genomes Project 30x 0.00422; 1000 Genomes Project 0.00439; gnomAD 0.00497 and 0.00538; TOPMed 0.00557; ESP Exome Variant Server 0.00561.
gnomAD v4.1: 1,434 of 1,614,162 alleles (0.089%); highest among the groups gnomAD compares: African/African-American, 1.6%; 7 homozygotes.

Submissions (4):

Labcorp Genetics (formerly Invitae), Labcorp
Classification: Benign. Last evaluated: 2026-01-26. Review status: criteria provided, single submitter. Criteria: Invitae Variant Classification Sherloc (09022015). Collection method: clinical testing. Allele origin: germline.

Mayo Clinic Laboratories, Mayo Clinic
Classification: Benign. Last evaluated: 2024-12-26. Review status: criteria provided, single submitter. Criteria: ACMG Guidelines, 2015. Collection method: clinical testing. Allele origin: germline. Observed: 2 variant alleles.
Comment: BS1, BS2, BP4, BP7

Blueprint Genetics
Classification: Likely benign. Last evaluated: 2024-11-13. Review status: criteria provided, single submitter. Criteria: ACMG Guidelines, 2015. Collection method: clinical testing. Allele origin: germline.

Breakthrough Genomics
Classification: Benign. Review status: criteria provided, single submitter. Criteria: ACMG Guidelines, 2015. Collection method: not provided. Allele origin: germline. Inheritance: Autosomal dominant inheritance. Affected: yes.